The following is an entry in ClinVar:

NM_005732.4(RAD50):c.2252_2254del (p.Arg751del)

Gene: RAD50 (RAD50 double strand break repair protein; plus strand). Cytogenetic location: 5q31.1.
Variant type: Deletion.
Coding change: c.2252_2254del on transcript NM_005732.4 (MANE Select); coding-DNA positions 2252 to 2254, 3 bases deleted (GAA; older notation c.2252_2254delGAA).
Protein change: p.Arg751del; deletes arginine 751.
Molecular consequence: inframe deletion.
Genome position (GRCh38, 1-based): chr5:132,603,344-132,603,346, GAA deleted; deleting any 3 consecutive bases within chr5:132,603,342-132,603,346 gives the same sequence; the c. name uses the placement nearest the transcript's 3' end. VCF-style (leftmost placement, unchanged base first): chr5-132603341-TAAG-T. GRCh37 (hg19) VCF-style: chr5-131939033-TAAG-T.
Other names: short protein forms R751del.
Identifiers: ClinVar variation 660354 (VCV000660354.9), dbSNP rs1581000953, ClinGen allele CA915943559.

ClinVar aggregate classification (germline): Uncertain significance (1 of 4 stars; one submission).

Conditions:
Hereditary cancer-predisposing syndrome. Also called: Hereditary neoplastic syndrome; Neoplastic Syndromes, Hereditary; Hereditary Cancer Syndrome; Tumor predisposition. Identifiers: Orphanet 140162, MedGen C0027672, MeSH D009386, MONDO:0015356.

Submission:

Labcorp Genetics (formerly Invitae), Labcorp
Classification: Uncertain significance for Hereditary cancer-predisposing syndrome. Last evaluated: 2018-08-15. Review status: criteria provided, single submitter. Criteria: Invitae Variant Classification Sherloc (09022015). Collection method: clinical testing. Allele origin: germline.
Comment: This variant, c.2252_2254delGAA, results in the deletion of 1 amino acid of the RAD50 protein (p.Arg751del), but otherwise preserves the integrity of the reading frame. This variant is not present in population databases (ExAC no frequency). This variant has not been reported in the literature in individuals with RAD50-related disease. Experimental studies and prediction algorithms are not available for this variant, and the functional significance of the deleted amino acid is currently unknown. In summary, the available evidence is currently insufficient to determine the role of this variant in disease. Therefore, it has been classified as a Variant of Uncertain Significance.